The following is an entry in ClinVar:

NM_005138.3(SCO2):c.796T>C (p.Ser266Pro)

Genes: NCAPH2 (non-SMC condensin II complex subunit H2; plus strand), SCO2 (synthesis of cytochrome C oxidase 2; minus strand). Cytogenetic location: 22q13.33.
Variant type: single nucleotide variant.
Coding change: c.796T>C on transcript NM_005138.3 (MANE Select); coding-DNA position 796, T replaced by C.
Protein change: p.Ser266Pro; replaces serine 266 with proline.
Molecular consequence: missense variant. On other transcripts: 3 prime UTR variant (2).
Genome position (GRCh38, 1-based): chr22:50,523,616, A>G on the plus strand (T>C on the coding strand, the complement: SCO2 is on the minus strand). VCF-style: chr22-50523616-A-G. GRCh37 (hg19) VCF-style: chr22-50962045-A-G.
Other names: c.*241A>G (NM_001185011.2, NM_152299.4); c.796T>C, p.Ser266Pro (NM_001169109.2, NM_001169110.1, NM_001169111.2); short protein forms S266P.
Identifiers: ClinVar variation 1495670 (VCV001495670.5), dbSNP rs746659857, ClinGen allele CA10321100.
Genomic context (GRCh38, chr22:50,523,616, plus strand): 5'-CACACACACAGATTAAACGCAGCCCGTTTAATGATGGGGCCCAGACTGCAGTGGCTCAAG[A>G]CAGGACACTGCGGAAAGCCGCCATGTGCCGCCGCACACTGTCTGAGATCTGCTCAGCCGA-3'
Protein context (NP_005129.2, residues 256-266): RHMAAFRSVL[Ser266Pro]

ClinVar aggregate classification (germline): Uncertain significance (1 of 4 stars; one submission).

Allele frequency attached by ClinVar (database versions not stated): gnomAD exomes below 0.00001 and 0.00001; ExAC 0.00002.
gnomAD v4.1: 5 of 1,613,210 alleles (0.00031%); highest among the groups gnomAD compares: African/African-American, 0.0067%; no homozygotes.

Submission:

Labcorp Genetics (formerly Invitae), Labcorp
Classification: Uncertain significance. Last evaluated: 2022-08-31. Review status: criteria provided, single submitter. Criteria: Invitae Variant Classification Sherloc (09022015). Collection method: clinical testing. Allele origin: germline.
Comment: This sequence change replaces serine, which is neutral and polar, with proline, which is neutral and non-polar, at codon 266 of the SCO2 protein (p.Ser266Pro). This variant is present in population databases (rs746659857, gnomAD 0.02%). This variant has not been reported in the literature in individuals affected with SCO2-related conditions. ClinVar contains an entry for this variant (Variation ID: 1495670). Algorithms developed to predict the effect of missense changes on protein structure and function output the following: SIFT: "Tolerated"; PolyPhen-2: "Benign"; Align-GVGD: "Class C0". The proline amino acid residue is found in multiple mammalian species, which suggests that this missense change does not adversely affect protein function. In summary, the available evidence is currently insufficient to determine the role of this variant in disease. Therefore, it has been classified as a Variant of Uncertain Significance.